The following is an entry in ClinVar:

ClinVar aggregate classification (germline): Conflicting classifications of pathogenicity. Review status: criteria provided, conflicting classifications (1 of 4 stars). 2 submissions from 2 submitters: Uncertain significance (1); Likely benign (1). Last evaluated 2024-12-01.

Conditions:
Inborn genetic diseases. Identifiers: MedGen C0950123, MeSH D030342.

Allele frequency attached by ClinVar (database versions not stated): gnomAD exomes 0.00002; TOPMed 0.00002; ExAC 0.00005.
gnomAD v4.1: 20 of 1,185,386 alleles (0.0017%); highest among the groups gnomAD compares: Non-Finnish European, 0.0021%; no homozygotes.

Submissions (2):

CeGaT Center for Human Genetics Tuebingen
Classification: Likely benign. Last evaluated: 2024-12-01. Review status: criteria provided, single submitter. Criteria: CeGaT Center For Human Genetics Tuebingen Variant Classification Criteria Version 2. Collection method: clinical testing. Allele origin: germline. Affected: yes. Observed: 1 variant allele.
Comment: NHS: BS2

Ambry Genetics
Classification: Uncertain significance for Inborn genetic diseases. Last evaluated: 2017-08-15. Review status: criteria provided, single submitter. Criteria: Ambry Variant Classification Scheme 2023. Collection method: clinical testing. Allele origin: germline.
Comment: The p.A130T variant (also known as c.388G>A), located in coding exon 1 of the NHS gene, results from a G to A substitution at nucleotide position 388. The alanine at codon 130 is replaced by threonine, an amino acid with similar properties. This amino acid position is not well conserved in available vertebrate species. In addition, this alteration is predicted to be tolerated by in silico analysis. Since supporting evidence is limited at this time, the clinical significance of this alteration remains unclear.

NM_001291867.2(NHS):c.388G>A (p.Ala130Thr)

Gene: NHS (NHS actin remodeling regulator; plus strand). Cytogenetic location: Xp22.2.
Variant type: single nucleotide variant.
Coding change: c.388G>A on transcript NM_001291867.2 (MANE Select); coding-DNA position 388, G replaced by A.
Protein change: p.Ala130Thr; replaces alanine 130 with threonine.
Molecular consequence: missense variant.
Genome position (GRCh38, 1-based): chrX:17,376,145, G>A. VCF-style: chrX-17376145-G-A. GRCh37 (hg19) VCF-style: chrX-17394268-G-A.
Other names: c.388G>A, p.Ala130Thr (NM_198270.4); short protein forms A130T.
Identifiers: ClinVar variation 1735888 (VCV001735888.15), dbSNP rs763390377, ClinGen allele CA10358442.